The following is an entry in ClinVar:

ClinVar aggregate classification (germline): Likely pathogenic. Review status: criteria provided, multiple submitters, no conflicts (2 of 4 stars). 2 submissions from 2 submitters: Likely pathogenic (2). Last evaluated 2024-09-06.

Conditions:
Cardiovascular phenotype. Identifiers: MedGen CN230736.
Autosomal recessive limb-girdle muscular dystrophy type 2J (LGMDR10). Also called: MUSCULAR DYSTROPHY, LIMB-GIRDLE, AUTOSOMAL RECESSIVE 10; Limb-girdle muscular dystrophy, type 2J. Identifiers: Orphanet 140922, MedGen C1837342, MONDO:0012127, OMIM 608807.
Dilated cardiomyopathy 1G (CMD1G). Identifiers: Orphanet 154, MedGen C1858763, MONDO:0011400, OMIM 604145.

Submissions (2):

Labcorp Genetics (formerly Invitae), Labcorp
Classification: Likely pathogenic for Dilated cardiomyopathy 1G; Autosomal recessive limb-girdle muscular dystrophy type 2J. Last evaluated: 2024-09-06. Review status: criteria provided, single submitter. Criteria: Invitae Variant Classification Sherloc (09022015). Collection method: clinical testing. Allele origin: germline.
Comment: This sequence change creates a premature translational stop signal (p.Thr15034Asnfs*8) in the TTN gene. While this is not anticipated to result in nonsense mediated decay, it is expected to create a truncated TTN protein. This variant is not present in population databases (gnomAD no frequency). This variant has not been reported in the literature in individuals affected with TTN-related conditions. ClinVar contains an entry for this variant (Variation ID: 1411085). This variant is located in the I band of TTN (PMID: 25589632). Truncating variants in this region have been reported in individuals affected with autosomal recessive centronuclear myopathy (PMID: 23975875, internal data). Truncating variants in this region have also been identified in individuals affected with autosomal dominant dilated cardiomyopathy and/or cardio-related conditions (PMID: 27869827, 32964742, internal data). In summary, the currently available evidence indicates that the variant is pathogenic, but additional data are needed to prove that conclusively. Therefore, this variant has been classified as Likely Pathogenic.

Ambry Genetics
Classification: Likely pathogenic for Cardiovascular phenotype. Last evaluated: 2023-02-11. Review status: criteria provided, single submitter. Criteria: Ambry Variant Classification Scheme 2023. Collection method: clinical testing. Allele origin: germline.
Comment: The c.17905dupA variant, located in coding exon 72 of the TTN gene, results from a duplication of A at nucleotide position 17905, causing a translational frameshift with a predicted alternate stop codon (p.T5969Nfs*8). This exon is located in the I-band region of the N2-B isoform of the titin protein and is constitutively expressed in TTN transcripts (percent spliced in or PSI XX%). This alteration has been described in association with dilated cardiomyopathy (DCM) (Connell PS et al. Circ Genom Precis Med, 2021 Feb;14:e003131). This variant is also considered to be rare based on population cohorts in the Genome Aggregation Database (gnomAD). This alteration is expected to result in loss of function by premature protein truncation or nonsense-mediated mRNA decay. While truncating variants in TTN are present in 1-3% of the general population, truncating variants in the A-band are the most common cause of dilated cardiomyopathy (DCM) (Herman DS et al. N. Engl. J. Med., 2012 Feb;366:619-28; Roberts AM et al. Sci Transl Med, 2015 Jan;7:270ra6). TTN truncating variants encoded in constitutive exons (PSI >90%) have been found to be significantly associated with DCM regardless of their position in titin (Schafer S et al. Nat. Genet., 2017 01;49:46-53). Based on the majority of available evidence to date, this variant is likely to be pathogenic.

Literature cited by the submitters: PubMed 25589632 (cited by Labcorp Genetics (formerly Invitae), Labcorp); PubMed 23975875 (cited by Labcorp Genetics (formerly Invitae), Labcorp); PubMed 27869827 (cited by Labcorp Genetics (formerly Invitae), Labcorp); PubMed 32964742 (cited by Labcorp Genetics (formerly Invitae), Labcorp); PubMed 33226272 (cited by Ambry Genetics).

NM_001267550.2(TTN):c.45100dup (p.Thr15034fs)

Genes: TTN (titin; minus strand), LOC126806427 (BRD4-independent group 4 enhancer GRCh37_chr2:179485777-179486976; plus strand). Cytogenetic location: 2q31.2.
Variant type: Duplication.
Coding change: c.45100dup on transcript NM_001267550.2 (MANE Select); coding-DNA position 45100, one base duplicated (A; older notation c.45100dupA).
Protein change: p.Thr15034fs; shifts the reading frame from threonine 15034.
Molecular consequence: frameshift variant.
Genome position (GRCh38, 1-based): chr2:178,621,724, T duplicated on the plus strand (A on the coding strand, the reverse complement: TTN is on the minus strand). VCF-style (leftmost placement, unchanged base first): chr2-178621723-G-GT. GRCh37 (hg19) VCF-style: chr2-179486450-G-GT.
Other names: c.40177dup, p.Thr13393fs (NM_001256850.1); c.17905dup, p.Thr5969fs (NM_003319.4); c.37396dup, p.Thr12466fs (NM_133378.4); c.18280dup, p.Thr6094fs (NM_133432.3); c.18481dup, p.Thr6161fs (NM_133437.4); c.17905dupA (NM_003319.4); short protein forms T13393fs, T15034fs, T12466fs, T6094fs, T6161fs, T5969fs.
Identifiers: ClinVar variation 1411085 (VCV001411085.8), dbSNP rs2154212181, ClinGen allele CA2573133827.